The following is an entry in ClinVar:

ClinVar aggregate classification (germline): Uncertain significance (1 of 4 stars; one submission).

Submission:

Labcorp Genetics (formerly Invitae), Labcorp
Classification: Uncertain significance. Last evaluated: 2025-01-12. Review status: criteria provided, single submitter. Criteria: Invitae Variant Classification Sherloc (09022015). Collection method: clinical testing. Allele origin: germline.
Comment: This sequence change replaces aspartic acid, which is acidic and polar, with valine, which is neutral and non-polar, at codon 375 of the COL4A6 protein (p.Asp375Val). This variant is not present in population databases (gnomAD no frequency). This variant has not been reported in the literature in individuals affected with COL4A6-related conditions. Invitae Evidence Modeling of protein sequence and biophysical properties (such as structural, functional, and spatial information, amino acid conservation, physicochemical variation, residue mobility, and thermodynamic stability) indicates that this missense variant is not expected to disrupt COL4A6 protein function with a negative predictive value of 80%. In summary, the available evidence is currently insufficient to determine the role of this variant in disease. Therefore, it has been classified as a Variant of Uncertain Significance.

NM_033641.4(COL4A6):c.1121A>T (p.Asp374Val)

Gene: COL4A6 (collagen type IV alpha 6 chain; minus strand). Cytogenetic location: Xq22.3.
Variant type: single nucleotide variant.
Coding change: c.1121A>T on transcript NM_033641.4 (MANE Select); coding-DNA position 1121, A replaced by T.
Protein change: p.Asp374Val; replaces aspartic acid 374 with valine.
Molecular consequence: missense variant.
Genome position (GRCh38, 1-based): chrX:108,192,532, T>A on the plus strand (A>T on the coding strand, the complement: COL4A6 is on the minus strand). VCF-style: chrX-108192532-T-A. GRCh37 (hg19) VCF-style: chrX-107435762-T-A.
Other names: c.1121A>T, p.Asp374Val (NM_001287758.2, NM_001287759.2, NM_001287760.2); c.1124A>T, p.Asp375Val (NM_001847.4); short protein forms D374V, D375V.
Identifiers: ClinVar variation 3648334 (VCV003648334.2).